The following is an entry in ClinVar:

ClinVar aggregate classification (germline): Likely benign (0 of 4 stars; one submission).

Conditions:
SEMA3F-related disorder. Also called: SEMA3F-related condition.

gnomAD v4.1: 2 of 1,614,128 alleles (0.00012%); highest among the groups gnomAD compares: Non-Finnish European, 0.00017%; no homozygotes.

Submission:

PreventionGenetics, part of Exact Sciences
Classification: Likely benign for SEMA3F-related condition. Last evaluated: 2022-04-10. Review status: no assertion criteria provided. Collection method: clinical testing. Allele origin: germline.
Comment: This variant is classified as likely benign based on ACMG/AMP sequence variant interpretation guidelines (Richards et al. 2015 PMID: 25741868, with internal and published modifications).

NM_004186.5(SEMA3F):c.1674C>T (p.Cys558=)

Gene: SEMA3F (semaphorin 3F; plus strand). Cytogenetic location: 3p21.31.
Variant type: single nucleotide variant.
Coding change: c.1674C>T on transcript NM_004186.5 (MANE Select); coding-DNA position 1674, C replaced by T.
Protein change: p.Cys558=; no amino-acid change (cysteine 558 retained).
Molecular consequence: synonymous variant.
Genome position (GRCh38, 1-based): chr3:50,185,975, C>T. VCF-style: chr3-50185975-C-T. GRCh37 (hg19) VCF-style: chr3-50223408-C-T.
Other names: c.1377C>T, p.Cys459= (NM_001318798.2); c.1581C>T, p.Cys527= (NM_001318800.2).
Identifiers: ClinVar variation 3354188 (VCV003354188.1).
Genomic context (GRCh38, chr3:50,185,975, plus strand): 5'-GGGTGTCACACACCTGAGCCTGCACCGCTGCCAGGCGTATGGGGCTGCCTGTGCTGACTG[C>T]TGCCTTGCCCGGGACCCTTACTGTGCCTGGGATGGCCAGGCCTGCTCCCGCTATACAGCA-3'
Protein context (NP_004177.3, residues 548-568): CQAYGAACAD[Cys558=]CLARDPYCAW